The following is an entry in ClinVar:

ClinVar aggregate classification (germline): Conflicting classifications of pathogenicity. Review status: criteria provided, conflicting classifications (1 of 4 stars). 3 submissions from 3 submitters: Likely pathogenic (1); Uncertain significance (2). Last evaluated 2026-04-24.

Conditions:
Glycine encephalopathy 1 (GCE1). Identifiers: MedGen CN376801, MONDO:0958179, OMIM 605899.
Glycine encephalopathy. Also called: Nonketotic hyperglycinemia; Non-ketotic hyperglycinemia. Identifiers: Orphanet 407, MedGen C0751748, MONDO:0011612, HP:0008288.

Allele frequency attached by ClinVar (database versions not stated): gnomAD exomes 0.00001.
gnomAD v4.1: 13 of 1,612,872 alleles (0.00081%); highest among the groups gnomAD compares: Non-Finnish European, 0.001%; no homozygotes.

Submissions (3):

Women's Health and Genetics/Laboratory Corporation of America, LabCorp
Classification: Uncertain significance. Last evaluated: 2026-04-24. Review status: criteria provided, single submitter. Criteria: LabCorp Variant Classification Summary - May 2015. Collection method: clinical testing. Allele origin: germline.
Comment: Variant summary: GLDC c.1847A>G (p.Asn616Ser) results in a conservative amino acid change in the encoded protein sequence. Algorithms developed to predict the effect of missense changes on protein structure and function are either unavailable or do not agree on the potential impact of this missense change. The variant was absent in 251438 control chromosomes (gnomAD). The available data on variant occurrences in the general population are insufficient to allow any conclusion about variant significance. To our knowledge, no occurrence of c.1847A>G in individuals affected with GLDC-related conditions and no experimental evidence demonstrating its impact on protein function have been reported. ClinVar contains an entry for this variant (Variation ID: 2169774). Based on the evidence outlined above, the variant was classified as uncertain significance.

Myriad Genetics, Inc.
Classification: Uncertain significance for Glycine encephalopathy 1. Last evaluated: 2025-08-11. Review status: criteria provided, single submitter. Criteria: Myriad Autosomal Dominant, Autosomal Recessive and X-Linked Classification Criteria (2023). Collection method: clinical testing. Allele origin: unknown.
Comment: NM_000170.2(GLDC):c.1847A>G(N616S) is a missense variant classified as a variant of uncertain significance in the context of glycine encephalopathy, GLDC-related. N616S has not been observed in cases with relevant disease. Relevant functional assessments of this variant are not available in the literature. N616S has not been observed in referenced population frequency databases. In summary, there is insufficient evidence to classify NM_000170.2(GLDC):c.1847A>G(N616S) as pathogenic or benign. Please note: this variant was assessed in the context of healthy population screening.

Labcorp Genetics (formerly Invitae), Labcorp
Classification: Likely pathogenic for Glycine encephalopathy. Last evaluated: 2023-03-23. Review status: criteria provided, single submitter. Criteria: Invitae Variant Classification Sherloc (09022015). Collection method: clinical testing. Allele origin: germline.
Comment: In summary, the currently available evidence indicates that the variant is pathogenic, but additional data are needed to prove that conclusively. Therefore, this variant has been classified as Likely Pathogenic. This sequence change replaces asparagine, which is neutral and polar, with serine, which is neutral and polar, at codon 616 of the GLDC protein (p.Asn616Ser). This variant is not present in population databases (gnomAD no frequency). This variant has not been reported in the literature in individuals affected with GLDC-related conditions. ClinVar contains an entry for this variant (Variation ID: 2169774). Advanced modeling of protein sequence and biophysical properties (such as structural, functional, and spatial information, amino acid conservation, physicochemical variation, residue mobility, and thermodynamic stability) performed at Invitae indicates that this missense variant is expected to disrupt GLDC protein function. This variant disrupts the p.Asn616 amino acid residue in GLDC. Other variant(s) that disrupt this residue have been determined to be pathogenic (PMID: 27362913). This suggests that this residue is clinically significant, and that variants that disrupt this residue are likely to be disease-causing.

Literature cited by the submitters: PubMed 27362913 (cited by Labcorp Genetics (formerly Invitae), Labcorp).

NM_000170.3(GLDC):c.1847A>G (p.Asn616Ser)

Gene: GLDC (glycine decarboxylase; minus strand). Cytogenetic location: 9p24.1.
Variant type: single nucleotide variant.
Coding change: c.1847A>G on transcript NM_000170.3 (MANE Select); coding-DNA position 1847, A replaced by G.
Protein change: p.Asn616Ser; replaces asparagine 616 with serine.
Molecular consequence: missense variant.
Genome position (GRCh38, 1-based): chr9:6,587,144, T>C on the plus strand (A>G on the coding strand, the complement: GLDC is on the minus strand). VCF-style: chr9-6587144-T-C. GRCh37 (hg19) VCF-style: chr9-6587144-T-C.
Other names: short protein forms N616S.
Identifiers: ClinVar variation 2169774 (VCV002169774.6), dbSNP rs1818287644, ClinGen allele CA372891102.
Genomic context (GRCh38, chr9:6,587,144, plus strand): 5'-TGGTGTATGCTATACAAGAATAGATTGCTGAAACAATAAGAAAAGAAATGCCCTTACCTG[T>C]TTGGCTGGAAACAGACCTGGTCATAACCTGTGAGTTCACACAAATCCTTCTCAAGCTCTC-3'
Protein context (NP_000161.2, residues 606-626): TGYDQVCFQP[Asn616Ser]SGAQGEYAGL